The following is an entry in ClinVar:

NM_004415.4(DSP):c.1537C>T (p.Pro513Ser)

Gene: DSP (desmoplakin; plus strand). Cytogenetic location: 6p24.3.
Variant type: single nucleotide variant.
Coding change: c.1537C>T on transcript NM_004415.4 (MANE Select); coding-DNA position 1537, C replaced by T.
Protein change: p.Pro513Ser; replaces proline 513 with serine.
Molecular consequence: missense variant.
Genome position (GRCh38, 1-based): chr6:7,569,303, C>T. VCF-style: chr6-7569303-C-T. GRCh37 (hg19) VCF-style: chr6-7569536-C-T.
Other names: c.1537C>T, p.Pro513Ser (NM_001008844.3, NM_001319034.2); short protein forms P513S.
Identifiers: ClinVar variation 4756665 (VCV004756665.2).

ClinVar aggregate classification (germline): Uncertain significance. Review status: criteria provided, multiple submitters, no conflicts (2 of 4 stars). 2 submissions from 2 submitters: Uncertain significance (2). Last evaluated 2025-06-03.

Conditions:
Arrhythmogenic cardiomyopathy with wooly hair and keratoderma. Also called: PALMOPLANTAR KERATODERMA WITH LEFT VENTRICULAR CARDIOMYOPATHY AND WOOLLY HAIR; Dilated cardiomyopathy with woolly hair and keratoderma; Arrhythmogenic cardiomyopathy with woolly hair and keratoderma; Carvajal syndrome. Identifiers: Orphanet 65282, MedGen C1854063, MONDO:0011581, OMIM 605676.
Arrhythmogenic right ventricular dysplasia 8 (ARVD8). Also called: Arrhythmogenic Right Ventricular Dysplasia/Cardiomyopathy 8; ARRHYTHMOGENIC RIGHT VENTRICULAR DYSPLASIA, FAMILIAL, 8; ARRHYTHMOGENIC RIGHT VENTRICULAR CARDIOMYOPATHY 8. Identifiers: MedGen C1843896, MONDO:0011831, OMIM 607450.
Cardiomyopathy (CMYO). Also called: Cardiomyopathies. Identifiers: Orphanet 167848, MedGen C0878544, MONDO:0004994, HP:0001638. Inheritance: Various modes of inheritance.

gnomAD v4.1: 2 of 1,614,018 alleles (0.00012%); highest among the groups gnomAD compares: Non-Finnish European, 0.00017%; no homozygotes.

Submissions (2):

Labcorp Genetics (formerly Invitae), Labcorp
Classification: Uncertain significance for Arrhythmogenic cardiomyopathy with wooly hair and keratoderma; Arrhythmogenic right ventricular dysplasia 8. Last evaluated: 2025-06-03. Review status: criteria provided, single submitter. Criteria: Invitae Variant Classification Sherloc (09022015). Collection method: clinical testing. Allele origin: germline.
Comment: This sequence change replaces proline, which is neutral and non-polar, with serine, which is neutral and polar, at codon 513 of the DSP protein (p.Pro513Ser). This variant is not present in population databases (gnomAD no frequency). This variant has not been reported in the literature in individuals affected with DSP-related conditions. An algorithm developed to predict the effect of missense changes on protein structure and function (PolyPhen-2) suggests that this variant is likely to be disruptive. In summary, the available evidence is currently insufficient to determine the role of this variant in disease. Therefore, it has been classified as a Variant of Uncertain Significance.

Color Diagnostics, LLC DBA Color Health
Classification: Uncertain significance for Cardiomyopathy. Last evaluated: 2025-05-20. Review status: criteria provided, single submitter. Criteria: ACMG Guidelines, 2015. Collection method: clinical testing. Allele origin: germline.
Comment: This missense variant replaces proline with serine at codon 513 of the DSP protein. Computational prediction is inconclusive regarding the impact of this variant on protein structure and function. To our knowledge, functional studies have not been reported for this variant. This variant has not been reported in individuals affected with DSP-related disorders in the literature. This variant has not been identified in the general population by the Genome Aggregation Database (gnomAD). The available evidence is insufficient to determine the role of this variant in disease conclusively. Therefore, this variant is classified as a Variant of Uncertain Significance.